The following is an entry in ClinVar:

ClinVar aggregate classification (germline): Likely benign (1 of 4 stars; one submission).

Conditions:
FGD4-related disorder. Also called: FGD4-related condition.

gnomAD v4.1: 17 of 1,536,166 alleles (0.0011%); highest among the groups gnomAD compares: Admixed American, 0.02%; no homozygotes.

Submission:

PreventionGenetics, part of Exact Sciences
Classification: Likely benign for FGD4-related condition. Last evaluated: 2026-04-02. Review status: criteria provided, single submitter. Criteria: ACMG Guidelines, 2015. Collection method: clinical testing. Allele origin: germline.
Comment: This variant is classified as likely benign based on ACMG/AMP sequence variant interpretation guidelines (Richards et al. 2015 PMID: 25741868, with internal and published modifications).

NM_001370298.3(FGD4):c.213A>G (p.Thr71=)

Gene: FGD4 (FYVE, RhoGEF and PH domain containing 4; plus strand). Cytogenetic location: 12p11.21.
Variant type: single nucleotide variant.
Coding change: c.213A>G on transcript NM_001370298.3 (MANE Select); coding-DNA position 213, A replaced by G.
Protein change: p.Thr71=; no amino-acid change (threonine 71 retained).
Molecular consequence: synonymous variant. On other transcripts: 5 prime UTR variant (12), non-coding transcript variant (1).
Genome position (GRCh38, 1-based): chr12:32,564,183, A>G. VCF-style: chr12-32564183-A-G. GRCh37 (hg19) VCF-style: chr12-32717117-A-G.
Other names: NM_001304480.1:c.138A>G; c.57A>G, p.Thr19= (NM_001304481.2); c.-1043A>G (NM_001304483.2); c.-1350A>G (NM_001304484.2); c.-294A>G (NM_001330373.2, NM_001330374.2, NM_001384130.1); c.-59A>G (NM_001370297.1); c.213A>G, p.Thr71= (NM_001384126.1); c.-199A>G (NM_001384127.1, NM_001384128.1, NM_001384131.1 and 3 more transcripts).
Identifiers: ClinVar variation 4988758 (VCV004988758.1).
Genomic context (GRCh38, chr12:32,564,183, plus strand): 5'-CTGAACTCTTGCAGGCAGCAGTACCTGTCCAAAGATCGCTTTAGTTCCACCTTGCTCCAC[A>G]AGCAGCACAACCACACTGGTTGGTGAGAATGTATCTGAAGAAGAGGCTCAGGGAATAAAT-3'
Protein context (NP_001357227.2, residues 61-81): PKIALVPPCS[Thr71=]SSTTTLVGEN